The following is an entry in ClinVar:

NM_000179.3(MSH6):c.3536C>T (p.Ala1179Val)

Gene: MSH6 (mutS homolog 6; plus strand). Cytogenetic location: 2p16.3.
Variant type: single nucleotide variant.
Coding change: c.3536C>T on transcript NM_000179.3 (MANE Select); coding-DNA position 3536, C replaced by T.
Protein change: p.Ala1179Val; replaces alanine 1179 with valine.
Molecular consequence: missense variant.
Genome position (GRCh38, 1-based): chr2:47,805,007, C>T. VCF-style: chr2-47805007-C-T. GRCh37 (hg19) VCF-style: chr2-48032146-C-T.
Other names: c.3146C>T, p.Ala1049Val (NM_001281492.2); c.2630C>T, p.Ala877Val (NM_001281493.2, NM_001281494.2); short protein forms A1179V, A877V, A1049V.
Identifiers: ClinVar variation 428398 (VCV000428398.6), dbSNP rs773583312, ClinGen allele CA346760240.

ClinVar aggregate classification (germline): Uncertain significance. Review status: criteria provided, multiple submitters, no conflicts (2 of 4 stars). 2 submissions from 2 submitters: Uncertain significance (2). Last evaluated 2024-01-11.

Conditions:
Lynch syndrome. Identifiers: Orphanet 144, MedGen C4552100, MONDO:0005835. Disease mechanism: loss of function.
Hereditary cancer-predisposing syndrome. Also called: Hereditary Cancer Syndrome; Neoplastic Syndromes, Hereditary; Hereditary neoplastic syndrome; Tumor predisposition. Identifiers: Orphanet 140162, MedGen C0027672, MeSH D009386, MONDO:0015356.

Submissions (2):

All of Us Research Program, National Institutes of Health
Classification: Uncertain significance for Lynch syndrome. Last evaluated: 2024-01-11. Review status: criteria provided, single submitter. Criteria: ACMG Guidelines, 2015. Collection method: clinical testing. Allele origin: germline. Inheritance: Autosomal dominant inheritance. Observed: 1 variant allele, 1 heterozygote.
Comment: This study involves interpretation of variants in research participants for the purpose of population health screening. Participant phenotype was not available at the time of variant classification. Additional details can be found in publication PMID: 35346344, PMCID: PMC8962531

Ambry Genetics
Classification: Uncertain significance for Hereditary cancer-predisposing syndrome. Last evaluated: 2023-11-20. Review status: criteria provided, single submitter. Criteria: Ambry Variant Classification Scheme 2023. Collection method: clinical testing. Allele origin: germline.
Comment: The p.A1179V variant (also known as c.3536C>T), located in coding exon 6 of the MSH6 gene, results from a C to T substitution at nucleotide position 3536. The alanine at codon 1179 is replaced by valine, an amino acid with similar properties. This amino acid position is highly conserved in available vertebrate species. In addition, this alteration is predicted to be deleterious by in silico analysis. Since supporting evidence is limited at this time, the clinical significance of this alteration remains unclear.